The following is an entry in ClinVar:

NM_002150.3(HPD):c.1159A>G (p.Asn387Asp)

Genes: HPD (4-hydroxyphenylpyruvate dioxygenase; minus strand), TIALD (transcript inducer of AURKA lysosomal degradation; plus strand). Cytogenetic location: 12q24.31.
Variant type: single nucleotide variant.
Coding change: c.1159A>G on transcript NM_002150.3 (MANE Select); coding-DNA position 1159, A replaced by G.
Protein change: p.Asn387Asp; replaces asparagine 387 with aspartic acid.
Molecular consequence: missense variant.
Genome position (GRCh38, 1-based): chr12:121,839,751, T>C on the plus strand (A>G on the coding strand, the complement: HPD is on the minus strand). VCF-style: chr12-121839751-T-C. GRCh37 (hg19) VCF-style: chr12-122277657-T-C.
Other names: c.1042A>G, p.Asn348Asp (NM_001171993.2); short protein forms N387D, N348D.
Identifiers: ClinVar variation 937138 (VCV000937138.6), dbSNP rs754985728, ClinGen allele CA6839404.
Genomic context (GRCh38, chr12:121,839,751, plus strand): 5'-GGCTGTGTGGCTGTGGCCTCCGTGGGGTGGGCGGGGCTTACATGCCGGGCACCACCCCAT[T>C]GGTCTCCATGTTGGTGAGGTTACCCCGCAGGTTCTGCTCCTCCTCGAAAGCCTTGAACAG-3'
Protein context (NP_002141.2, residues 377-393): LRGNLTNMET[Asn387Asp]GVVPGM

ClinVar aggregate classification (germline): Uncertain significance (1 of 4 stars; one submission).

Conditions:
Tyrosinemia type III. Also called: Tyrosinemia type 3; 4-alpha hydroxyphenylpyruvic acid oxidase deficiency; 4-alpha hydroxyphenylpyruvate dioxygenase deficiency; 4-Hydroxyphenylpyruvate dioxygenase deficiency; 4-HYDROXYPHENYLPYRUVIC ACID OXIDASE DEFICIENCY. Identifiers: Orphanet 69723, MedGen C0268623, MONDO:0010162, OMIM 276710.
Hawkinsinuria. Identifiers: Orphanet 2118, MedGen C2931042, MONDO:0007700, OMIM 140350, HP:0034457.

Allele frequency attached by ClinVar (database versions not stated): gnomAD exomes below 0.00001 and 0.00001; ExAC 0.00001; gnomAD 0.00001; TOPMed 0.00002.
gnomAD v4.1: 15 of 1,613,772 alleles (0.00093%); highest among the groups gnomAD compares: South Asian, 0.0022%; no homozygotes.

Submission:

Labcorp Genetics (formerly Invitae), Labcorp
Classification: Uncertain significance for Tyrosinemia type III; Hawkinsinuria. Last evaluated: 2021-12-03. Review status: criteria provided, single submitter. Criteria: Invitae Variant Classification Sherloc (09022015). Collection method: clinical testing. Allele origin: germline.
Comment: This sequence change replaces asparagine, which is neutral and polar, with aspartic acid, which is acidic and polar, at codon 387 of the HPD protein (p.Asn387Asp). This variant is not present in population databases (gnomAD no frequency). This variant has not been reported in the literature in individuals affected with HPD-related conditions. ClinVar contains an entry for this variant (Variation ID: 937138). Algorithms developed to predict the effect of missense changes on protein structure and function output the following: SIFT: "Tolerated"; PolyPhen-2: "Benign"; Align-GVGD: "Class C0". The aspartic acid amino acid residue is found in multiple mammalian species, which suggests that this missense change does not adversely affect protein function. In summary, the available evidence is currently insufficient to determine the role of this variant in disease. Therefore, it has been classified as a Variant of Uncertain Significance.